The following is an entry in ClinVar:

ClinVar aggregate classification (germline): Conflicting classifications of pathogenicity. Review status: criteria provided, conflicting classifications (1 of 4 stars). 2 submissions from 2 submitters: Uncertain significance (1); Benign (1). Last evaluated 2025-12-10.

Conditions:
RAI1-related disorder. Also called: RAI1-related condition.

Allele frequency attached by ClinVar (database versions not stated): TOPMed 0.00001; ExAC 0.00002; gnomAD exomes 0.00002 and 0.00003.
gnomAD v4.1: 11 of 1,614,070 alleles (0.00068%); highest among the groups gnomAD compares: Admixed American, 0.013%; no homozygotes.

Submissions (2):

PreventionGenetics, part of Exact Sciences
Classification: Uncertain significance for RAI1-related condition. Last evaluated: 2025-12-10. Review status: criteria provided, single submitter. Criteria: ACMG Guidelines, 2015. Collection method: clinical testing. Allele origin: germline.
Comment: The RAI1 c.4166A>G variant is predicted to result in the amino acid substitution p.Gln1389Arg. This variant has been reported previously in an individual with Smith-Magenis syndrome and is reported to impact protein activity (Vieira et al. 2012. PubMed ID: 21897445; Carmona-Mora et al. 2012. PubMed ID: 23028815). However, segregation information for the variant was not reported. This variant is reported in 0.020% of alleles in individuals of Latino descent in gnomAD, and has been classified as benign in the ClinVar database (Variation ID: 1406807). While we suspect this variant may be benign, at this time, the clinical significance of this variant is uncertain due to the absence of conclusive functional and genetic evidence.

Labcorp Genetics (formerly Invitae), Labcorp
Classification: Benign. Last evaluated: 2025-11-17. Review status: criteria provided, single submitter. Criteria: Invitae Variant Classification Sherloc (09022015). Collection method: clinical testing. Allele origin: germline.

NM_030665.4(RAI1):c.4166A>G (p.Gln1389Arg)

Gene: RAI1 (retinoic acid induced 1; plus strand). Cytogenetic location: 17p11.2.
Variant type: single nucleotide variant.
Coding change: c.4166A>G on transcript NM_030665.4 (MANE Select); coding-DNA position 4166, A replaced by G.
Protein change: p.Gln1389Arg; replaces glutamine 1389 with arginine.
Molecular consequence: missense variant.
Genome position (GRCh38, 1-based): chr17:17,797,114, A>G. VCF-style: chr17-17797114-A-G. GRCh37 (hg19) VCF-style: chr17-17700428-A-G.
Other names: c.4166A>G (NM_030665.3); short protein forms Q1389R.
Identifiers: ClinVar variation 1406807 (VCV001406807.9), dbSNP rs757354656, ClinGen allele CA8418900.